The following is an entry in ClinVar:

NM_017636.4(TRPM4):c.2362G>A (p.Val788Ile)

Gene: TRPM4 (transient receptor potential cation channel subfamily M member 4; plus strand). Cytogenetic location: 19q13.33.
Variant type: single nucleotide variant.
Coding change: c.2362G>A on transcript NM_017636.4 (MANE Select); coding-DNA position 2362, G replaced by A.
Protein change: p.Val788Ile; replaces valine 788 with isoleucine.
Molecular consequence: missense variant. On other transcripts: intron variant (1).
Genome position (GRCh38, 1-based): chr19:49,196,591, G>A. VCF-style: chr19-49196591-G-A. GRCh37 (hg19) VCF-style: chr19-49699848-G-A.
Other names: c.2017G>A, p.Val673Ile (NM_001321281.2); c.754G>A, p.Val252Ile (NM_001321282.2); c.1840G>A, p.Val614Ile (NM_001321283.2); c.1300G>A, p.Val434Ile (NM_001321285.2); c.2211-3709G>A (NM_001195227.2); short protein forms V673I, V788I, V614I, V252I, V434I.
Identifiers: ClinVar variation 1374957 (VCV001374957.8), dbSNP rs1256137913, ClinGen allele CA406809008.

ClinVar aggregate classification (germline): Uncertain significance (1 of 4 stars; one submission).

Conditions:
Progressive familial heart block type IB (PFHB1B). Identifiers: Orphanet 871, MedGen C1970298, MONDO:0011474, OMIM 604559.

Allele frequency attached by ClinVar (database versions not stated): gnomAD 0.00001.

Submission:

Labcorp Genetics (formerly Invitae), Labcorp
Classification: Uncertain significance for Progressive familial heart block type IB. Last evaluated: 2021-02-22. Review status: criteria provided, single submitter. Criteria: Invitae Variant Classification Sherloc (09022015). Collection method: clinical testing. Allele origin: germline.
Comment: This sequence change replaces valine with isoleucine at codon 788 of the TRPM4 protein (p.Val788Ile). The valine residue is weakly conserved and there is a small physicochemical difference between valine and isoleucine. This variant is not present in population databases (ExAC no frequency). This variant has not been reported in the literature in individuals with TRPM4-related conditions. Algorithms developed to predict the effect of missense changes on protein structure and function output the following: SIFT: "Tolerated"; PolyPhen-2: "Benign"; Align-GVGD: "Class C0". The isoleucine amino acid residue is found in multiple mammalian species, suggesting that this missense change does not adversely affect protein function. These predictions have not been confirmed by published functional studies and their clinical significance is uncertain. In summary, the available evidence is currently insufficient to determine the role of this variant in disease. Therefore, it has been classified as a Variant of Uncertain Significance.